The following is an entry in ClinVar:

NM_033004.4(NLRP1):c.448+17C>T

Gene: NLRP1 (NLR family pyrin domain containing 1; minus strand). Cytogenetic location: 17p13.2.
Variant type: single nucleotide variant.
Coding change: c.448+17C>T on transcript NM_033004.4 (MANE Select); 17 bases into the intron after coding-DNA position 448, C replaced by T.
Molecular consequence: intron variant.
Genome position (GRCh38, 1-based): chr17:5,582,653, G>A on the plus strand (C>T on the coding strand, the complement: NLRP1 is on the minus strand). VCF-style: chr17-5582653-G-A. GRCh37 (hg19) VCF-style: chr17-5485973-G-A.
Other names: c.448+17C>T (NM_001033053.3, NM_033007.4, NM_033006.4 and 1 more transcripts).
Identifiers: ClinVar variation 2767489 (VCV002767489.3), dbSNP rs2508129530, ClinGen allele CA2635676314.
Genomic context (GRCh38, chr17:5,582,653, plus strand): 5'-CATGATCCTCTGGGTGGGGCCCACCAGCTGATTCACAGCTCCACCCAGGGCTGTCAGCCT[G>A]CCTCAGCAAGCCTCACCTCTCCAGCGGCGTCCAGATGTGTCAGGCAGCTGTCTCAAAACC-3'

ClinVar aggregate classification (germline): Uncertain significance (1 of 4 stars; one submission).

Allele frequency attached by ClinVar (database versions not stated): gnomAD exomes below 0.00001.
gnomAD v4.1: 1 of 1,613,010 alleles (0.000062%); highest among the groups gnomAD compares: Non-Finnish European, 0.000085%; no homozygotes.

Submission:

Labcorp Genetics (formerly Invitae), Labcorp
Classification: Uncertain significance. Last evaluated: 2023-11-13. Review status: criteria provided, single submitter. Criteria: Invitae Variant Classification Sherloc (09022015). Collection method: clinical testing. Allele origin: germline.
Comment: This sequence change falls in intron 2 of the NLRP1 gene. It does not directly change the encoded amino acid sequence of the NLRP1 protein. This variant is not present in population databases (gnomAD no frequency). This variant has not been reported in the literature in individuals affected with NLRP1-related conditions. Algorithms developed to predict the effect of sequence changes on RNA splicing suggest that this variant may create or strengthen a splice site. In summary, the available evidence is currently insufficient to determine the role of this variant in disease. Therefore, it has been classified as a Variant of Uncertain Significance.